The following is an entry in ClinVar:

ClinVar aggregate classification (germline): Uncertain significance (1 of 4 stars; one submission).

Conditions:
Charcot-Marie-Tooth disease type 4. Also called: Charcot-Marie-Tooth, Type 4; Charcot-Marie-Tooth disease, type IV. Identifiers: Orphanet 64749, MedGen C4082197, MONDO:0018995.

Submission:

Labcorp Genetics (formerly Invitae), Labcorp
Classification: Uncertain significance for Charcot-Marie-Tooth disease type 4. Last evaluated: 2022-11-28. Review status: criteria provided, single submitter. Criteria: Invitae Variant Classification Sherloc (09022015). Collection method: clinical testing. Allele origin: germline.
Comment: Algorithms developed to predict the effect of sequence changes on RNA splicing suggest that this variant may create or strengthen a splice site. ClinVar contains an entry for this variant (Variation ID: 1351692). This variant has not been reported in the literature in individuals affected with SBF2-related conditions. This variant is not present in population databases (gnomAD no frequency). This sequence change falls in intron 39 of the SBF2 gene. It does not directly change the encoded amino acid sequence of the SBF2 protein. In summary, the available evidence is currently insufficient to determine the role of this variant in disease. Therefore, it has been classified as a Variant of Uncertain Significance.

NM_030962.4(SBF2):c.5451+3_5451+6dup

Genes: SBF2 (SET binding factor 2; minus strand), SBF2-AS1 (SBF2 antisense RNA 1; plus strand), LOC105369149 (uncharacterized LOC105369149; plus strand). Cytogenetic location: 11p15.4.
Variant type: Duplication.
Coding change: c.5451+3_5451+6dup on transcript NM_030962.4 (MANE Select); bases 3 to 6 of the intron after coding-DNA position 5451, 4 bases duplicated (AAGT; older notation c.5451+3_5451+6dupAAGT).
Molecular consequence: splice donor variant.
Genome position (GRCh38, 1-based): chr11:9,781,501-9,781,504, ACTT duplicated on the plus strand (AAGT on the coding strand, the reverse complement: SBF2 is on the minus strand); duplicating any 4 consecutive bases within chr11:9,781,501-9,781,506 gives the same sequence; the c. name uses the placement nearest the transcript's 3' end. VCF-style (leftmost placement, unchanged base first): chr11-9781500-A-AACTT. GRCh37 (hg19) VCF-style: chr11-9803047-A-AACTT.
Other names: c.5322+3_5322+6dup (NM_001386342.1); c.5547+3_5547+6dup (NM_001386339.1).
Identifiers: ClinVar variation 1351692 (VCV001351692.8), dbSNP rs1428808794, ClinGen allele CA682344163.